The following is an entry in ClinVar:

ClinVar aggregate classification (germline): Uncertain significance (1 of 4 stars; one submission).

Submission:

GeneDx
Classification: Uncertain significance. Last evaluated: 2025-07-03. Review status: criteria provided, single submitter. Criteria: GeneDx Variant Classification Process June 2021. Collection method: clinical testing. Allele origin: germline. Affected: yes.
Comment: Not observed at significant frequency in large population cohorts (gnomAD); In silico analysis suggests that this missense variant does not alter protein structure/function; Has not been previously published as pathogenic or benign to our knowledge

NM_007327.4(GRIN1):c.188C>T (p.Thr63Ile)

Gene: GRIN1 (glutamate ionotropic receptor NMDA type subunit 1; plus strand). Cytogenetic location: 9q34.3.
Variant type: single nucleotide variant.
Coding change: c.188C>T on transcript NM_007327.4 (MANE Select); coding-DNA position 188, C replaced by T.
Protein change: p.Thr63Ile; replaces threonine 63 with isoleucine.
Molecular consequence: missense variant.
Genome position (GRCh38, 1-based): chr9:137,139,674, C>T. VCF-style: chr9-137139674-C-T. GRCh37 (hg19) VCF-style: chr9-140034126-C-T.
Other names: c.188C>T, p.Thr63Ile (NM_000832.7, NM_001185090.2, NM_001185091.2 and 3 more transcripts); short protein forms T63I.
Identifiers: ClinVar variation 4681030 (VCV004681030.1).